The following is an entry in ClinVar:

ClinVar aggregate classification (germline): Benign/Likely benign. Review status: criteria provided, multiple submitters, no conflicts (2 of 4 stars). 3 submissions from 3 submitters: Benign (1); Likely benign (2). Last evaluated 2025-02-17.

Conditions:
Alpha thalassemia-X-linked intellectual disability syndrome (ATRX). Also called: X-linked alpha-thalassemia-mental retardation syndrome; ALPHA-THALASSEMIA/IMPAIRED INTELLECTUAL DEVELOPMENT SYNDROME, X-LINKED; ALPHA-THALASSEMIA/MENTAL RETARDATION SYNDROME, X-LINKED; ATR, NONDELETION TYPE; ATR-X syndrome; Alpha thalassemia mental retardation syndrome, nondeletion type, X-linked. Identifiers: Orphanet 847, MedGen C1845055, MONDO:0010519, OMIM 301040.

Allele frequency attached by ClinVar (database versions not stated): gnomAD 0.00001; gnomAD exomes 0.00006; ESP Exome Variant Server 0.00009; TOPMed 0.00002; ExAC 0.00008.
gnomAD v4.1: 43 of 1,207,878 alleles (0.0036%); highest among the groups gnomAD compares: Non-Finnish European, 0.0048%; no homozygotes.

Submissions (3):

Labcorp Genetics (formerly Invitae), Labcorp
Classification: Benign for Alpha thalassemia-X-linked intellectual disability syndrome. Last evaluated: 2025-02-17. Review status: criteria provided, single submitter. Criteria: Invitae Variant Classification Sherloc (09022015). Collection method: clinical testing. Allele origin: germline.

CeGaT Center for Human Genetics Tuebingen
Classification: Likely benign. Last evaluated: 2023-01-01. Review status: criteria provided, single submitter. Criteria: CeGaT Center For Human Genetics Tuebingen Variant Classification Criteria Version 2. Collection method: clinical testing. Allele origin: germline. Affected: yes. Observed: 2 variant alleles.
Comment: ATRX: BP4, BS2

GeneDx
Classification: Likely benign. Last evaluated: 2021-05-28. Review status: criteria provided, single submitter. Criteria: GeneDx Variant Classification Process June 2021. Collection method: clinical testing. Allele origin: germline. Affected: yes.

NM_000489.6(ATRX):c.3687G>A (p.Val1229=)

Gene: ATRX (ATRX chromatin remodeler; minus strand). Cytogenetic location: Xq21.1.
Variant type: single nucleotide variant.
Coding change: c.3687G>A on transcript NM_000489.6 (MANE Select); coding-DNA position 3687, G replaced by A.
Protein change: p.Val1229=; no amino-acid change (valine 1229 retained).
Molecular consequence: synonymous variant.
Genome position (GRCh38, 1-based): chrX:77,681,569, C>T on the plus strand (G>A on the coding strand, the complement: ATRX is on the minus strand). VCF-style: chrX-77681569-C-T. GRCh37 (hg19) VCF-style: chrX-76937061-C-T.
Other names: c.3573G>A, p.Val1191= (NM_138270.5).
Identifiers: ClinVar variation 1168909 (VCV001168909.36), dbSNP rs1051682, ClinGen allele CA10457922.
Genomic context (GRCh38, chrX:77,681,569, plus strand): 5'-TTTTTGCATACCTGAAGATTGGCAAAATCCAGTATGTGAAGACAGCACTAAATTTTCAGT[C>T]ACAGGCTTAATTTTCTGTTCATCGCTGCTTCCCTCACCTATAGAATTCTGATCATCATCT-3'
Protein context (NP_000480.3, residues 1219-1239): GSSDEQKIKP[Val1229=]TENLVLSSHT